The following is an entry in ClinVar:

NM_000243.3(MEFV):c.1957C>T (p.Arg653Cys)

Genes: MEFV (MEFV innate immunity regulator, pyrin; minus strand), LOC126862264 (CDK7 strongly-dependent group 2 enhancer GRCh37_chr16:3293322-3294521; plus strand). Cytogenetic location: 16p13.3.
Variant type: single nucleotide variant.
Coding change: c.1957C>T on transcript NM_000243.3 (MANE Select); coding-DNA position 1957, C replaced by T.
Protein change: p.Arg653Cys; replaces arginine 653 with cysteine.
Molecular consequence: missense variant. On other transcripts: 3 prime UTR variant (1).
Genome position (GRCh38, 1-based): chr16:3,243,530, G>A on the plus strand (C>T on the coding strand, the complement: MEFV is on the minus strand). VCF-style: chr16-3243530-G-A. GRCh37 (hg19) VCF-style: chr16-3293530-G-A.
Other names: c.*161C>T (NM_001198536.2); short protein forms R653C.
Identifiers: ClinVar variation 289866 (VCV000289866.13), dbSNP rs375716505, ClinGen allele CA7859890.

ClinVar aggregate classification (germline): Conflicting classifications of pathogenicity. Review status: criteria provided, conflicting classifications (1 of 4 stars). 8 submissions from 6 submitters: Uncertain significance (5); Likely benign (2). 1 of the submissions does not count toward it. Last evaluated 2026-04-27.

Conditions:
Familial Mediterranean fever, autosomal dominant. Also called: Dominant Familial Mediterranean Fever; FMF, AUTOSOMAL DOMINANT. Identifiers: Orphanet 342, MedGen C1851347, MONDO:0007601, OMIM 134610.
Acute febrile neutrophilic dermatosis (AFND). Also called: Sweet Syndrome; Gomm Button disease. Identifiers: Orphanet 3243, MedGen C0085077, MONDO:0011959, OMIM 608068.
Familial Mediterranean fever (FMF). Also called: POLYSEROSITIS, FAMILIAL PAROXYSMAL; POLYSEROSITIS, RECURRENT; Periodic peritonitis; Benign paroxysmal peritonitis. Identifiers: Orphanet 342, MedGen C0031069, MONDO:0018088, OMIM 249100. Disease mechanism: gain of function.

Allele frequency attached by ClinVar (database versions not stated): ExAC 0.00002; gnomAD exomes 0.00004; ESP Exome Variant Server 0.00008; gnomAD 0.00004; TOPMed 0.00003.
gnomAD v4.1: 28 of 1,613,660 alleles (0.0017%); highest among the groups gnomAD compares: African/African-American, 0.015%; no homozygotes.

Submissions (8):

Dasa
Classification: Uncertain significance for Familial Mediterranean fever, autosomal dominant. Last evaluated: 2026-04-27. Review status: criteria provided, single submitter. Criteria: DASA Assertion Criteria. Collection method: clinical testing. Allele origin: germline. Inheritance: Autosomal recessive inheritance.
Comment: NM_000243.3(MEFV):c.1957C>T (p.Arg653Cys) is a missense variant located in exon 10 that results in an arginine to cysteine substitution at codon 653 of the MEFV protein. This variant introduces an amino acid change within a region implicated in MEFV-related disease mechanisms and occurs at a residue where other pathogenic missense substitutions have been described, suggesting potential functional relevance, although direct functional studies for this specific change are not available. The variant is present at low frequency in population datasets, indicating it is not a common polymorphism. Limited observational data have reported this variant in individuals with MEFV-associated phenotypes, including familial Mediterranean fever, sometimes in a compound heterozygous context, but without sufficient segregation or functional validation to establish a causal relationship. Based on the available data, this variant is classified as Variant of Uncertain Significance.

Labcorp Genetics (formerly Invitae), Labcorp
Classification: Uncertain significance for Familial Mediterranean fever. Last evaluated: 2025-09-02. Review status: criteria provided, single submitter. Criteria: Invitae Variant Classification Sherloc (09022015). Collection method: clinical testing. Allele origin: germline.
Comment: This sequence change replaces arginine, which is basic and polar, with cysteine, which is neutral and slightly polar, at codon 653 of the MEFV protein (p.Arg653Cys). This variant is present in population databases (rs375716505, gnomAD 0.02%). This missense change has been observed in individual(s) with suspected auto-inflammatory disease (PMID: 35358658). ClinVar contains an entry for this variant (Variation ID: 289866). An algorithm developed to predict the effect of missense changes on protein structure and function (PolyPhen-2) suggests that this variant is likely to be tolerated. In summary, the available evidence is currently insufficient to determine the role of this variant in disease. Therefore, it has been classified as a Variant of Uncertain Significance.

Genome-Nilou Lab
Classification: Uncertain significance for Familial Mediterranean fever. Last evaluated: 2023-02-08. Review status: criteria provided, single submitter. Criteria: ACMG Guidelines, 2015. Collection method: clinical testing. Allele origin: germline.

Genome-Nilou Lab
Classification: Likely benign for Familial Mediterranean fever, autosomal dominant. Last evaluated: 2023-02-08. Review status: criteria provided, single submitter. Criteria: ACMG Guidelines, 2015. Collection method: clinical testing. Allele origin: germline.

Genome-Nilou Lab
Classification: Likely benign for Acute febrile neutrophilic dermatosis. Last evaluated: 2023-02-08. Review status: criteria provided, single submitter. Criteria: ACMG Guidelines, 2015. Collection method: clinical testing. Allele origin: germline.

Women's Health and Genetics/Laboratory Corporation of America, LabCorp
Classification: Uncertain significance. Last evaluated: 2016-12-08. Review status: criteria provided, single submitter. Criteria: LabCorp Variant Classification Summary - May 2015. Collection method: clinical testing. Allele origin: germline.
Comment: Variant summary: The MEFV c.1957C>T (p.Arg653Cys) variant involves the alteration of a not conserved nucleotide. 3/4 in silico tools predict a damaging outcome for this variant (SNPs&GO not captured due to low reliability index). This variant was found in 3/121174 control chromosomes at a frequency of 0.0000248, which does not exceed the estimated maximal expected allele frequency of a pathogenic MEFV variant (0.0216506). Taken together, this variant is classified as VUS until more information becomes available.

Eurofins Ntd Llc (ga)
Classification: Uncertain significance. Last evaluated: 2016-08-27. Review status: criteria provided, single submitter. Criteria: EGL Classification Definitions 2015. Collection method: clinical testing. Allele origin: germline. Observed: 2 variant alleles, 2 heterozygotes.

Natera, Inc.
Classification: Uncertain significance for Familial Mediterranean fever. Last evaluated: 2020-09-16. Review status: no assertion criteria provided. Collection method: clinical testing. Allele origin: germline. Not counted in ClinVar's aggregate classification.

Literature cited by the submitters: PubMed 35358658 (cited by Labcorp Genetics (formerly Invitae), Labcorp).